The following is an entry in ClinVar:

NM_002435.3(MPI):c.982C>T (p.Arg328Trp)

Gene: MPI (mannose phosphate isomerase; plus strand). Cytogenetic location: 15q24.1.
Variant type: single nucleotide variant.
Coding change: c.982C>T on transcript NM_002435.3 (MANE Select); coding-DNA position 982, C replaced by T.
Protein change: p.Arg328Trp; replaces arginine 328 with tryptophan.
Molecular consequence: missense variant. On other transcripts: intron variant (1).
Genome position (GRCh38, 1-based): chr15:74,897,148, C>T. VCF-style: chr15-74897148-C-T. GRCh37 (hg19) VCF-style: chr15-75189489-C-T.
Other names: c.832C>T, p.Arg278Trp (NM_001289156.2); c.799C>T, p.Arg267Trp (NM_001289157.2); c.922C>T, p.Arg308Trp (NM_001330372.2); c.845-364C>T (NM_001289155.2); short protein forms R328W, R267W, R278W, R308W.
Identifiers: ClinVar variation 94072 (VCV000094072.63), dbSNP rs117089191, ClinGen allele CA147584.

ClinVar aggregate classification (germline): Benign/Likely benign. Review status: criteria provided, multiple submitters, no conflicts (2 of 4 stars). 10 submissions from 10 submitters: Benign (4); Likely benign (4). 2 of the submissions do not count toward it. Last evaluated 2026-02-04.

Conditions:
MPI-related disorder. Also called: MPI-related condition.
MPI-congenital disorder of glycosylation. Also called: CONGENITAL DISORDER OF GLYCOSYLATION, TYPE Ib; PROTEIN-LOSING ENTEROPATHY-HEPATIC FIBROSIS SYNDROME; CDG Ib; MPI-CDG; MPI DEFICIENCY; MANNOSEPHOSPHATE ISOMERASE DEFICIENCY. Identifiers: Orphanet 79319, MedGen C1865145, MONDO:0011257, OMIM 602579.

Allele frequency attached by ClinVar (database versions not stated): gnomAD exomes 0.00987 and 0.00554; gnomAD 0.00577 and 0.00562; ExAC 0.00610; 1000 Genomes Project 0.00140; 1000 Genomes Project 30x 0.00187; TOPMed 0.00527; ESP Exome Variant Server 0.00639.
gnomAD v4.1: 15,175 of 1,614,186 alleles (0.94%); highest among the groups gnomAD compares: Non-Finnish European, 1.2%; 101 homozygotes.

Submissions (10):

Labcorp Genetics (formerly Invitae), Labcorp
Classification: Benign for MPI-congenital disorder of glycosylation. Last evaluated: 2026-02-04. Review status: criteria provided, single submitter. Criteria: Invitae Variant Classification Sherloc (09022015). Collection method: clinical testing. Allele origin: germline.

CeGaT Center for Human Genetics Tuebingen
Classification: Benign. Last evaluated: 2024-09-01. Review status: criteria provided, single submitter. Criteria: CeGaT Center For Human Genetics Tuebingen Variant Classification Criteria Version 2. Collection method: clinical testing. Allele origin: germline. Affected: yes. Observed: 9 variant alleles.
Comment: MPI: BS1, BS2

GeneDx
Classification: Benign. Last evaluated: 2021-07-29. Review status: criteria provided, single submitter. Criteria: GeneDx Variant Classification Process June 2021. Collection method: clinical testing. Allele origin: germline. Affected: yes.
Comment: This variant is associated with the following publications: (PMID: 23806237)

Genetic Services Laboratory, University of Chicago
Classification: Likely benign. Last evaluated: 2021-02-12. Review status: criteria provided, single submitter. Criteria: ACMG Guidelines, 2015. Collection method: clinical testing. Allele origin: germline. Affected: no.

Illumina Laboratory Services, Illumina
Classification: Likely benign for MPI-congenital disorder of glycosylation. Last evaluated: 2018-01-13. Review status: criteria provided, single submitter. Criteria: ICSL Variant Classification Criteria 13 December 2019. Collection method: clinical testing. Allele origin: germline.
Comment: This variant was observed in the ICSL laboratory as part of a predisposition screen in an ostensibly healthy population. It had not been previously curated by ICSL or reported in the Human Gene Mutation Database (HGMD: prior to June 1st, 2018), and was therefore a candidate for classification through an automated scoring system. Utilizing variant allele frequency, disease prevalence and penetrance estimates, and inheritance mode, an automated score was calculated to assess if this variant is too frequent to cause the disease. Based on the score and internal cut-off values, a variant classified as likely benign is not then subjected to further curation. The score for this variant resulted in a classification of likely benign for this disease.

Center for Pediatric Genomic Medicine, Children's Mercy Hospital and Clinics
Classification: Likely benign. Last evaluated: 2015-11-24. Review status: criteria provided, single submitter. Criteria: ACMG Guidelines, 2015. Collection method: clinical testing. Allele origin: germline.
ClinVar note: Converted during submission from Likely Benign to Likely benign.

Eurofins Ntd Llc (ga)
Classification: Benign. Last evaluated: 2012-10-16. Review status: criteria provided, single submitter. Criteria: EGL Classification Definitions 2015. Collection method: clinical testing. Allele origin: germline. Observed: 4 variant alleles, 4 heterozygotes.

Breakthrough Genomics
Classification: Likely benign. Review status: criteria provided, single submitter. Criteria: ACMG Guidelines, 2015. Collection method: not provided. Allele origin: germline. Inheritance: Autosomal recessive inheritance. Affected: yes.

PreventionGenetics, part of Exact Sciences
Classification: Benign for MPI-related condition. Last evaluated: 2020-03-19. Review status: no assertion criteria provided. Collection method: clinical testing. Allele origin: germline. Not counted in ClinVar's aggregate classification.
Comment: This variant is classified as benign based on ACMG/AMP sequence variant interpretation guidelines (Richards et al. 2015 PMID: 25741868, with internal and published modifications).

Natera, Inc.
Classification: Benign for Congenital disorder of glycosylation type 1b. Last evaluated: 2019-11-15. Review status: no assertion criteria provided. Collection method: clinical testing. Allele origin: germline. Not counted in ClinVar's aggregate classification.